The following is an entry in ClinVar:

ClinVar aggregate classification (germline): Uncertain significance. Review status: criteria provided, multiple submitters, no conflicts (2 of 4 stars). 3 submissions from 3 submitters: Uncertain significance (3). Last evaluated 2026-07-23.

Conditions:
Familial focal epilepsy with variable foci (FPEVF). Identifiers: Orphanet 98820, MedGen C1858477, MONDO:0020310.
Inborn genetic diseases. Identifiers: MedGen C0950123, MeSH D030342.
Epilepsy, familial focal, with variable foci 1 (FFEVF1). Also called: DEPDC5-Related Epilepsy. Identifiers: MedGen C4551983, MONDO:0024556, OMIM 604364.

Allele frequency attached by ClinVar (database versions not stated): gnomAD exomes 0.00001 and below 0.00001; TOPMed 0.00003; gnomAD 0.00004; ExAC 0.00002; 1000 Genomes Project 30x 0.00016; 1000 Genomes Project 0.00020.

Submissions (3):

Ambry Genetics
Classification: Uncertain significance for Inborn genetic diseases. Last evaluated: 2026-07-23. Review status: criteria provided, single submitter. Criteria: Ambry Variant Classification Scheme 2023. Collection method: clinical testing. Allele origin: germline.
Comment: The c.338A>T (p.D113V) alteration is located in exon 6 (coding exon 5) of the DEPDC5 gene. This alteration results from a A to T substitution at nucleotide position 338, causing the aspartic acid (D) at amino acid position 113 to be replaced by a valine (V). Based on data from gnomAD, the T allele has an overall frequency of 0.001% (4/280142) total alleles studied. The highest observed frequency was 0.017% (4/24228) of African alleles. Based on insufficient or conflicting evidence, the clinical significance of this alteration remains unclear.

Labcorp Genetics (formerly Invitae), Labcorp
Classification: Uncertain significance for Familial focal epilepsy with variable foci. Last evaluated: 2025-12-19. Review status: criteria provided, single submitter. Criteria: Invitae Variant Classification Sherloc (09022015). Collection method: clinical testing. Allele origin: germline.
Comment: This sequence change replaces aspartic acid, which is acidic and polar, with valine, which is neutral and non-polar, at codon 113 of the DEPDC5 protein (p.Asp113Val). This variant is present in population databases (rs529069517, gnomAD 0.02%). This variant has not been reported in the literature in individuals affected with DEPDC5-related conditions. ClinVar contains an entry for this variant (Variation ID: 1024115). Experimental studies and prediction algorithms are not available or were not evaluated, and the functional significance of this variant is currently unknown. In summary, the available evidence is currently insufficient to determine the role of this variant in disease. Therefore, it has been classified as a Variant of Uncertain Significance.

New York Genome Center
Classification: Uncertain significance for Epilepsy, familial focal, with variable foci 1. Last evaluated: 2021-08-13. Review status: criteria provided, single submitter. Criteria: NYGC Assertion Criteria 2020. Collection method: clinical testing. Allele origin: inherited. Observed: 1 heterozygote. Study: CSER-NYCKidSeq.
Comment: The inherited c.338A>T (p.Asp113Val) variant in DEPDC5 has not been reported in affected individuals in the literature to the best of our knowledge. It has been reported in ClinVar database as a variant of uncertain significance [Variation ID:1024115]. The variant has 0.00003944 allele frequency in the gnomAD(v3) database (6 out of 152112 heterozygous alleles, no homozygotes) suggesting it is not a common benign variant in populations represented in that database. The variant affects an evolutionarily conserved residue and is predicted deleterious by multiple in silico prediction tools [CADD score = 29.9, REVEL score= 0.768]. Functional studies to evaluate the potential pathogenicity of this variant have not been reported in the literature. Based on the available evidence, the inherited heterozygous c.338A>T (p.Asp113Val) missense variant identified in DEPDC5 gene is reported as a Variant of UncertainSignificance.

NM_001242896.3(DEPDC5):c.338A>T (p.Asp113Val)

Gene: DEPDC5 (DEP domain containing 5, GATOR1 subcomplex subunit; plus strand). Cytogenetic location: 22q12.2.
Variant type: single nucleotide variant.
Coding change: c.338A>T on transcript NM_001242896.3 (MANE Select); coding-DNA position 338, A replaced by T.
Protein change: p.Asp113Val; replaces aspartic acid 113 with valine.
Molecular consequence: missense variant. On other transcripts: non-coding transcript variant (5), intron variant (2).
Genome position (GRCh38, 1-based): chr22:31,766,643, A>T. VCF-style: chr22-31766643-A-T. GRCh37 (hg19) VCF-style: chr22-32162629-A-T.
Other names: c.338A>T, p.Asp113Val (NM_001007188.4, NM_001136029.4, NM_001242897.2 and 7 more transcripts); c.279+1583A>T (NM_001369902.1, NM_001369901.1); c.338A>T (NM_001242896.1); short protein forms D113V.
Identifiers: ClinVar variation 1024115 (VCV001024115.11), dbSNP rs529069517, ClinGen allele CA10195914.